The following is an entry in ClinVar:

NM_032607.3(CREB3L3):c.901G>A (p.Glu301Lys)

Gene: CREB3L3 (cAMP responsive element binding protein 3 like 3; plus strand). Cytogenetic location: 19p13.3.
Variant type: single nucleotide variant.
Coding change: c.901G>A on transcript NM_032607.3 (MANE Select); coding-DNA position 901, G replaced by A.
Protein change: p.Glu301Lys; replaces glutamic acid 301 with lysine.
Molecular consequence: missense variant.
Genome position (GRCh38, 1-based): chr19:4,171,101, G>A. VCF-style: chr19-4171101-G-A. GRCh37 (hg19) VCF-style: chr19-4171098-G-A.
Other names: c.898G>A, p.Glu300Lys (NM_001271995.2); c.895G>A, p.Glu299Lys (NM_001271996.2); c.794G>A, p.Gly265Glu (NM_001271997.2); short protein forms E299K, E300K, E301K, G265E.
Identifiers: ClinVar variation 1364783 (VCV001364783.7), dbSNP rs375703646, ClinGen allele CA9091535.

ClinVar aggregate classification (germline): Uncertain significance (1 of 4 stars; one submission).

gnomAD v4.1: 118 of 1,613,908 alleles (0.0073%); highest among the groups gnomAD compares: Non-Finnish European, 0.0094%; no homozygotes.

Submission:

Labcorp Genetics (formerly Invitae), Labcorp
Classification: Uncertain significance. Last evaluated: 2026-01-13. Review status: criteria provided, single submitter. Criteria: Invitae Variant Classification Sherloc (09022015). Collection method: clinical testing. Allele origin: germline.
Comment: This sequence change replaces glutamic acid, which is acidic and polar, with lysine, which is basic and polar, at codon 301 of the CREB3L3 protein (p.Glu301Lys). This variant is present in population databases (rs375703646, gnomAD 0.006%). This missense change has been observed in individual(s) with clinical features of dyslipidemia (PMID: 32041611). ClinVar contains an entry for this variant (Variation ID: 1364783). Invitae Evidence Modeling of protein sequence and biophysical properties (such as structural, functional, and spatial information, amino acid conservation, physicochemical variation, residue mobility, and thermodynamic stability) has been performed for this missense variant. However, the output from this modeling did not meet the statistical confidence thresholds required to predict the impact of this variant on CREB3L3 protein function. In summary, the available evidence is currently insufficient to determine the role of this variant in disease. Therefore, it has been classified as a Variant of Uncertain Significance.

Literature cited by the submitters: PubMed 32041611.